The following is an entry in ClinVar:

NM_004656.4(BAP1):c.620G>A (p.Arg207Gln)

Gene: BAP1 (BRCA1 associated deubiquitinase 1; minus strand). Cytogenetic location: 3p21.1.
Variant type: single nucleotide variant.
Coding change: c.620G>A on transcript NM_004656.4 (MANE Select); coding-DNA position 620, G replaced by A.
Protein change: p.Arg207Gln; replaces arginine 207 with glutamine.
Molecular consequence: missense variant.
Genome position (GRCh38, 1-based): chr3:52,406,868, C>T on the plus strand (G>A on the coding strand, the complement: BAP1 is on the minus strand). VCF-style: chr3-52406868-C-T. GRCh37 (hg19) VCF-style: chr3-52440884-C-T.
Other names: short protein forms R207Q.
Identifiers: ClinVar variation 630741 (VCV000630741.16), dbSNP rs1277247682, ClinGen allele CA353108992.
Genomic context (GRCh38, chr3:52,406,868, plus strand): 5'-GGGCAGGCACAGGGCCCTTACCCTGCAGTGGCGAGGCCGATACGCTCCATGATGACCCGC[C>T]GGGCCTTGTCTGTCCACTCCTCGTCCTCCCCCCAGGGCCCTAGTGGAGACCAAGACAAGG-3'
Protein context (NP_004647.1, residues 197-217): GEDEEWTDKA[Arg207Gln]RVIMERIGLA

ClinVar aggregate classification (germline): Uncertain significance. Review status: criteria provided, multiple submitters, no conflicts (2 of 4 stars). 4 submissions from 4 submitters: Uncertain significance (4). Last evaluated 2025-12-14.

Conditions:
Hereditary cancer-predisposing syndrome. Also called: Tumor predisposition; Neoplastic Syndromes, Hereditary; Hereditary neoplastic syndrome; Hereditary Cancer Syndrome. Identifiers: Orphanet 140162, MedGen C0027672, MeSH D009386, MONDO:0015356.
BAP1-related tumor predisposition syndrome (TPDS1). Also called: Tumor susceptibility linked to germline BAP1 mutations; BAP1 tumor predisposition syndrome; COMMON Syndrome; TUMOR PREDISPOSITION SYNDROME 1. Identifiers: Orphanet 289539, MedGen C3280492, MONDO:0013692, OMIM 614327.

Allele frequency attached by ClinVar (database versions not stated): gnomAD exomes below 0.00001.

Submissions (4):

Labcorp Genetics (formerly Invitae), Labcorp
Classification: Uncertain significance for BAP1-related tumor predisposition syndrome. Last evaluated: 2025-12-14. Review status: criteria provided, single submitter. Criteria: Invitae Variant Classification Sherloc (09022015). Collection method: clinical testing. Allele origin: germline.
Comment: This sequence change replaces arginine, which is basic and polar, with glutamine, which is neutral and polar, at codon 207 of the BAP1 protein (p.Arg207Gln). This variant is not present in population databases (gnomAD no frequency). This variant has not been reported in the literature in individuals affected with BAP1-related conditions. ClinVar contains an entry for this variant (Variation ID: 630741). Invitae Evidence Modeling of protein sequence and biophysical properties (such as structural, functional, and spatial information, amino acid conservation, physicochemical variation, residue mobility, and thermodynamic stability) has been performed for this missense variant. However, the output from this modeling did not meet the statistical confidence thresholds required to predict the impact of this variant on BAP1 protein function. In summary, the available evidence is currently insufficient to determine the role of this variant in disease. Therefore, it has been classified as a Variant of Uncertain Significance.

Ambry Genetics
Classification: Uncertain significance for Hereditary cancer-predisposing syndrome. Last evaluated: 2025-09-29. Review status: criteria provided, single submitter. Criteria: Ambry Variant Classification Scheme 2023. Collection method: clinical testing. Allele origin: germline.
Comment: The p.R207Q variant (also known as c.620G>A), located in coding exon 8 of the BAP1 gene, results from a G to A substitution at nucleotide position 620. The arginine at codon 207 is replaced by glutamine, an amino acid with highly similar properties. This variant has been observed in at least one individual with a personal and/or family history that is consistent with BAP1-related tumor predisposition syndrome (Ambry internal data). This amino acid position is highly conserved in available vertebrate species. In addition, the in silico prediction for this alteration is inconclusive. Based on the available evidence, the clinical significance of this variant remains unclear.

Color Diagnostics, LLC DBA Color Health
Classification: Uncertain significance for Hereditary cancer-predisposing syndrome. Last evaluated: 2025-06-30. Review status: criteria provided, single submitter. Criteria: ACMG Guidelines, 2015. Collection method: clinical testing. Allele origin: germline.
Comment: This missense variant replaces arginine with glutamine at codon 207 of the BAP1 protein. Computational prediction suggests that this variant may not impact protein structure and function. To our knowledge, functional studies have not been reported for this variant. This variant has not been reported in individuals affected with BAP1-related disorders in the literature. This variant has not been identified in the general population by the Genome Aggregation Database (gnomAD). The available evidence is insufficient to determine the role of this variant in disease conclusively. Therefore, this variant is classified as a Variant of Uncertain Significance.

GeneDx
Classification: Uncertain significance. Last evaluated: 2023-12-06. Review status: criteria provided, single submitter. Criteria: GeneDx Variant Classification Process June 2021. Collection method: clinical testing. Allele origin: germline. Affected: yes.
Comment: Not observed at significant frequency in large population cohorts (gnomAD); In silico analysis supports that this missense variant has a deleterious effect on protein structure/function; Has not been previously published as pathogenic or benign to our knowledge